The following is an entry in ClinVar:

ClinVar aggregate classification (germline): Uncertain significance (1 of 4 stars; one submission).

Submission:

GeneDx
Classification: Uncertain significance. Last evaluated: 2022-09-02. Review status: criteria provided, single submitter. Criteria: GeneDx Variant Classification Process June 2021. Collection method: clinical testing. Allele origin: germline. Affected: yes.
Comment: Not observed at significant frequency in large population cohorts (gnomAD); In silico analysis supports that this missense variant has a deleterious effect on protein structure/function; Has not been previously published as pathogenic or benign to our knowledge

NM_001127222.2(CACNA1A):c.37G>C (p.Gly13Arg)

Gene: CACNA1A (calcium voltage-gated channel subunit alpha1 A; minus strand). Cytogenetic location: 19p13.13.
Variant type: single nucleotide variant.
Coding change: c.37G>C on transcript NM_001127222.2 (MANE Select); coding-DNA position 37, G replaced by C.
Protein change: p.Gly13Arg; replaces glycine 13 with arginine.
Molecular consequence: missense variant.
Genome position (GRCh38, 1-based): chr19:13,506,188, C>G on the plus strand (G>C on the coding strand, the complement: CACNA1A is on the minus strand). VCF-style: chr19-13506188-C-G. GRCh37 (hg19) VCF-style: chr19-13617002-C-G.
Other names: c.37G>C, p.Gly13Arg (NM_023035.3, NM_000068.4, NM_001127221.2 and 1 more transcripts); short protein forms G13R.
Identifiers: ClinVar variation 2442525 (VCV002442525.1), dbSNP rs1202097056, ClinGen allele CA404971330.